The following is an entry in ClinVar:

NM_006949.4(STXBP2):c.1361C>T (p.Ser454Leu)

Gene: STXBP2 (syntaxin binding protein 2; plus strand). Cytogenetic location: 19p13.2.
Variant type: single nucleotide variant.
Coding change: c.1361C>T on transcript NM_006949.4 (MANE Select); coding-DNA position 1361, C replaced by T.
Protein change: p.Ser454Leu; replaces serine 454 with leucine.
Molecular consequence: missense variant. On other transcripts: non-coding transcript variant (1).
Genome position (GRCh38, 1-based): chr19:7,646,253, C>T. VCF-style: chr19-7646253-C-T. GRCh37 (hg19) VCF-style: chr19-7711139-C-T.
Other names: c.1352C>T, p.Ser451Leu (NM_001127396.3); c.1394C>T, p.Ser465Leu (NM_001272034.2); short protein forms S454L, S465L, S451L.
Identifiers: ClinVar variation 470698 (VCV000470698.4), dbSNP rs755227395, ClinGen allele CA9144130.

ClinVar aggregate classification (germline): Uncertain significance (1 of 4 stars; one submission).

Conditions:
Familial hemophagocytic lymphohistiocytosis 5. Also called: STXBP2-Related Familial Hemophagocytic Lymphohistiocytosis (STXBP2-fHLH). Identifiers: Orphanet 540, MedGen C2751293, MONDO:0013135, OMIM 613101.

Allele frequency attached by ClinVar (database versions not stated): gnomAD 0.00001; gnomAD exomes 0.00001; TOPMed 0.00001; ExAC 0.00002.
gnomAD v4.1: 12 of 1,603,304 alleles (0.00075%); highest among the groups gnomAD compares: South Asian, 0.0022%; no homozygotes.

Submission:

Labcorp Genetics (formerly Invitae), Labcorp
Classification: Uncertain significance for Familial hemophagocytic lymphohistiocytosis 5. Last evaluated: 2022-08-08. Review status: criteria provided, single submitter. Criteria: Invitae Variant Classification Sherloc (09022015). Collection method: clinical testing. Allele origin: germline.
Comment: This sequence change replaces serine, which is neutral and polar, with leucine, which is neutral and non-polar, at codon 454 of the STXBP2 protein (p.Ser454Leu). The frequency data for this variant in the population databases is considered unreliable, as metrics indicate poor data quality at this position in the gnomAD database. This variant has not been reported in the literature in individuals affected with STXBP2-related conditions. ClinVar contains an entry for this variant (Variation ID: 470698). Algorithms developed to predict the effect of missense changes on protein structure and function (SIFT, PolyPhen-2, Align-GVGD) all suggest that this variant is likely to be tolerated. In summary, the available evidence is currently insufficient to determine the role of this variant in disease. Therefore, it has been classified as a Variant of Uncertain Significance.